The following is an entry in ClinVar:

ClinVar aggregate classification (germline): Pathogenic/Likely pathogenic. Review status: criteria provided, multiple submitters, no conflicts (2 of 4 stars). 5 submissions from 5 submitters: Pathogenic (4); Likely pathogenic (1). Last evaluated 2026-09-29.

Conditions:
Bloom syndrome (BLM). Also called: Bloom-Torre-Machacek syndrome. Identifiers: Orphanet 125, MedGen C0005859, MONDO:0008876, OMIM 210900.
Hereditary cancer-predisposing syndrome. Also called: Hereditary Cancer Syndrome; Hereditary neoplastic syndrome; Neoplastic Syndromes, Hereditary; Tumor predisposition. Identifiers: Orphanet 140162, MedGen C0027672, MeSH D009386, MONDO:0015356.

Submissions (5):

Myriad Genetics, Inc.
Classification: Pathogenic for Bloom syndrome. Last evaluated: 2026-09-29. Review status: criteria provided, single submitter. Criteria: Myriad Autosomal Dominant, Autosomal Recessive and X-Linked Classification Criteria (2023). Collection method: clinical testing. Allele origin: unknown.
Comment: This variant is considered pathogenic. This variant creates a termination codon and is predicted to result in premature protein truncation.

Labcorp Genetics (formerly Invitae), Labcorp
Classification: Pathogenic for Bloom syndrome. Last evaluated: 2024-07-31. Review status: criteria provided, single submitter. Criteria: Invitae Variant Classification Sherloc (09022015). Collection method: clinical testing. Allele origin: germline.
Comment: This sequence change creates a premature translational stop signal (p.Gln1166*) in the BLM gene. It is expected to result in an absent or disrupted protein product. Loss-of-function variants in BLM are known to be pathogenic (PMID: 17407155). This variant is not present in population databases (gnomAD no frequency). This variant has not been reported in the literature in individuals affected with BLM-related conditions. ClinVar contains an entry for this variant (Variation ID: 653629). For these reasons, this variant has been classified as Pathogenic.

CeGaT Center for Human Genetics Tuebingen
Classification: Pathogenic. Last evaluated: 2023-04-01. Review status: criteria provided, single submitter. Criteria: CeGaT Center For Human Genetics Tuebingen Variant Classification Criteria Version 2. Collection method: clinical testing. Allele origin: germline. Affected: yes. Observed: 1 variant allele.
Comment: BLM: PVS1, PM2

Sema4
Classification: Likely pathogenic for Hereditary cancer-predisposing syndrome. Last evaluated: 2021-04-13. Review status: criteria provided, single submitter. Criteria: Sema4 Curation Guidelines. Collection method: curation. Allele origin: germline.
Comment: To the best of our knowledge, the BLM c.3496C>T (p.Q1166X) nonsense variant has not been reported in individuals with BLM-related disease. This nonsense variant creates a premature stop codon at residue 1166 of the BLM protein. Loss of function variants in BLM are known to be pathogenic (PMID: 17407155). This variant is not reported in the population database Genome Aggregation Database (PMID: 32461654). This variant has been reported in ClinVar (Variation ID: 653629). Based on the current evidence available, this variant is interpreted as likely pathogenic.

Ambry Genetics
Classification: Pathogenic for Hereditary cancer-predisposing syndrome. Last evaluated: 2020-05-18. Review status: criteria provided, single submitter. Criteria: Ambry Variant Classification Scheme 2023. Collection method: clinical testing. Allele origin: germline.
Comment: The p.Q1166* pathogenic mutation (also known as c.3496C>T), located in coding exon 17 of the BLM gene, results from a C to T substitution at nucleotide position 3496. This changes the amino acid from a glutamine to a stop codon within coding exon 17. This alteration is expected to result in loss of function by premature protein truncation or nonsense-mediated mRNA decay. As such, this alteration is interpreted as a disease-causing mutation.

Literature cited by the submitters: PubMed 17407155 (cited by Labcorp Genetics (formerly Invitae), Labcorp and Sema4).

NM_000057.4(BLM):c.3496C>T (p.Gln1166Ter)

Gene: BLM (BLM RecQ like helicase; plus strand). Cytogenetic location: 15q26.1.
Variant type: single nucleotide variant.
Coding change: c.3496C>T on transcript NM_000057.4 (MANE Select); coding-DNA position 3496, C replaced by T.
Protein change: p.Gln1166Ter; replaces glutamine 1166 with a stop codon.
Molecular consequence: nonsense. On other transcripts: intron variant (1).
Genome position (GRCh38, 1-based): chr15:90,803,658, C>T. VCF-style: chr15-90803658-C-T. GRCh37 (hg19) VCF-style: chr15-91346888-C-T.
Other names: c.3496C>T, p.Gln1166Ter (NM_001287246.2); c.2371C>T, p.Gln791Ter (NM_001287248.2); c.3358+5321C>T (NM_001287247.2); short protein forms Q791*, Q1166*.
Identifiers: ClinVar variation 653629 (VCV000653629.36), dbSNP rs1596267627, ClinGen allele CA393847732.